The following is an entry in ClinVar:

ClinVar aggregate classification (germline): Uncertain significance (1 of 4 stars; one submission).

Conditions:
HK1-related disorder. Also called: HK1-related disorders; HK1-related condition.

Allele frequency attached by ClinVar (database versions not stated): TOPMed 0.00002; gnomAD exomes 0.00001.
gnomAD v4.1: 18 of 1,612,916 alleles (0.0011%); highest among the groups gnomAD compares: East Asian, 0.0022%; no homozygotes.

Submission:

PreventionGenetics, part of Exact Sciences
Classification: Uncertain significance for HK1-related condition. Last evaluated: 2025-12-01. Review status: criteria provided, single submitter. Criteria: ACMG Guidelines, 2015. Collection method: clinical testing. Allele origin: germline.
Comment: The HK1 c.27G>A variant is not predicted to result in an amino acid change (p.=). However, this variant resides at the last nucleotide of the exon and is predicted to significantly weaken the canonical splice donor site (SpliceAI, Jaganathan et al. 2019. PubMed ID: 30661751). To our knowledge, this variant has not been reported in the literature. This variant is reported in 0.00088% of alleles in individuals of European (Non-Finnish) descent in gnomAD. At this time, the clinical significance of this variant is uncertain due to the absence of conclusive functional and genetic evidence.

NM_001358263.1(HK1):c.27G>A (p.Ser9=)

Gene: HK1 (hexokinase 1; plus strand). Cytogenetic location: 10q22.1.
Variant type: single nucleotide variant.
Coding change: c.27G>A on transcript NM_001358263.1 (MANE Plus Clinical); coding-DNA position 27, G replaced by A.
Protein change: p.Ser9=; no amino-acid change (serine 9 retained).
Molecular consequence: synonymous variant. On other transcripts: 5 prime UTR variant (1).
Genome position (GRCh38, 1-based): chr10:69,288,770, G>A. VCF-style: chr10-69288770-G-A. GRCh37 (hg19) VCF-style: chr10-71048526-G-A.
Other names: c.27G>A, p.Ser9= (NM_001322364.2, NM_001322365.2, NM_033497.3 and 1 more transcripts); c.-115G>A (NM_033500.2).
Identifiers: ClinVar variation 2632066 (VCV002632066.2), dbSNP rs1212867383, ClinGen allele CA470016612.